The following is an entry in ClinVar:

NM_001371986.1(UNC80):c.2540G>A (p.Arg847Lys)

Gene: UNC80 (unc-80 homolog, NALCN channel complex subunit; plus strand). Cytogenetic location: 2q34.
Variant type: single nucleotide variant.
Coding change: c.2540G>A on transcript NM_001371986.1 (MANE Select); coding-DNA position 2540, G replaced by A.
Protein change: p.Arg847Lys; replaces arginine 847 with lysine.
Molecular consequence: missense variant.
Genome position (GRCh38, 1-based): chr2:209,829,293, G>A. VCF-style: chr2-209829293-G-A. GRCh37 (hg19) VCF-style: chr2-210694017-G-A.
Other names: c.2540G>A, p.Arg847Lys (NM_032504.2); c.2525G>A, p.Arg842Lys (NM_182587.4); short protein forms R842K, R847K.
Identifiers: ClinVar variation 2122292 (VCV002122292.1), dbSNP rs2080781603, ClinGen allele CA350137638.

ClinVar aggregate classification (germline): Uncertain significance (1 of 4 stars; one submission).

Allele frequency attached by ClinVar (database versions not stated): gnomAD exomes below 0.00001; TOPMed below 0.00001.
gnomAD v4.1: 3 of 1,551,422 alleles (0.00019%); highest among the groups gnomAD compares: South Asian, 0.0024%; no homozygotes.

Submission:

Labcorp Genetics (formerly Invitae), Labcorp
Classification: Uncertain significance. Last evaluated: 2022-04-16. Review status: criteria provided, single submitter. Criteria: Invitae Variant Classification Sherloc (09022015). Collection method: clinical testing. Allele origin: germline.
Comment: This sequence change replaces arginine, which is basic and polar, with lysine, which is basic and polar, at codon 847 of the UNC80 protein (p.Arg847Lys). This variant is not present in population databases (gnomAD no frequency). This variant has not been reported in the literature in individuals affected with UNC80-related conditions. Algorithms developed to predict the effect of missense changes on protein structure and function are either unavailable or do not agree on the potential impact of this missense change (SIFT: "Not Available"; PolyPhen-2: "Possibly Damaging"; Align-GVGD: "Not Available"). In summary, the available evidence is currently insufficient to determine the role of this variant in disease. Therefore, it has been classified as a Variant of Uncertain Significance.